The following is an entry in ClinVar:

NM_001303256.3(MORC2):c.326T>C (p.Met109Thr)

Gene: MORC2 (MORC family CW-type zinc finger 2; minus strand). Cytogenetic location: 22q12.2.
Variant type: single nucleotide variant.
Coding change: c.326T>C on transcript NM_001303256.3 (MANE Select); coding-DNA position 326, T replaced by C.
Protein change: p.Met109Thr; replaces methionine 109 with threonine.
Molecular consequence: missense variant.
Genome position (GRCh38, 1-based): chr22:30,946,441, A>G on the plus strand (T>C on the coding strand, the complement: MORC2 is on the minus strand). VCF-style: chr22-30946441-A-G. GRCh37 (hg19) VCF-style: chr22-31342428-A-G.
Other names: c.326T>C, p.Met109Thr (NM_001303257.2); c.140T>C, p.Met47Thr (NM_014941.3); short protein forms M109T, M47T.
Identifiers: ClinVar variation 2968756 (VCV002968756.3), dbSNP rs1165276920, ClinGen allele CA411244919.

ClinVar aggregate classification (germline): Uncertain significance (1 of 4 stars; one submission).

Conditions:
Charcot-Marie-Tooth disease axonal type 2Z. Also called: CHARCOT-MARIE-TOOTH DISEASE, AXONAL, AUTOSOMAL DOMINANT, TYPE 2Z; CHARCOT-MARIE-TOOTH NEUROPATHY, TYPE 2Z. Identifiers: Orphanet 466768, MedGen C5569025, MONDO:0014736, OMIM 616688.

Allele frequency attached by ClinVar (database versions not stated): gnomAD exomes below 0.00001; gnomAD 0.00001; TOPMed 0.00001.

Submission:

Labcorp Genetics (formerly Invitae), Labcorp
Classification: Uncertain significance for Charcot-Marie-Tooth disease axonal type 2Z. Last evaluated: 2023-11-24. Review status: criteria provided, single submitter. Criteria: Invitae Variant Classification Sherloc (09022015). Collection method: clinical testing. Allele origin: germline.
Comment: This sequence change replaces methionine, which is neutral and non-polar, with threonine, which is neutral and polar, at codon 109 of the MORC2 protein (p.Met109Thr). This variant is present in population databases (no rsID available, gnomAD 0.007%). This variant has not been reported in the literature in individuals affected with MORC2-related conditions. Advanced modeling of protein sequence and biophysical properties (such as structural, functional, and spatial information, amino acid conservation, physicochemical variation, residue mobility, and thermodynamic stability) performed at Invitae indicates that this missense variant is expected to disrupt MORC2 protein function with a positive predictive value of 95%. In summary, the available evidence is currently insufficient to determine the role of this variant in disease. Therefore, it has been classified as a Variant of Uncertain Significance.